The following is an entry in ClinVar:

NM_000487.6(ARSA):c.*102C>T

Gene: ARSA (arylsulfatase A; minus strand). Cytogenetic location: 22q13.33.
Variant type: single nucleotide variant.
Coding change: c.*102C>T on transcript NM_000487.6 (MANE Select); 102 bases downstream of the stop codon, C replaced by T.
Molecular consequence: 3 prime UTR variant.
Genome position (GRCh38, 1-based): chr22:50,625,043, G>A on the plus strand (C>T on the coding strand, the complement: ARSA is on the minus strand). VCF-style: chr22-50625043-G-A. GRCh37 (hg19) VCF-style: chr22-51063471-G-A.
Other names: c.*102C>T (NM_001085425.3, NM_001085426.3, NM_001085427.3 and 2 more transcripts).
Identifiers: ClinVar variation 3047098 (VCV003047098.2), dbSNP rs1257271445, ClinGen allele CA754067112.

ClinVar aggregate classification (germline): Likely benign (0 of 4 stars; one submission).

Conditions:
ARSA-related disorder. Also called: ARSA-related condition.

Allele frequency attached by ClinVar (database versions not stated): gnomAD 0.00001; TOPMed 0.00001; gnomAD exomes 0.00002.
gnomAD v4.1: 27 of 1,292,396 alleles (0.0021%); highest among the groups gnomAD compares: Admixed American, 0.0028%; no homozygotes.

Submission:

PreventionGenetics, part of Exact Sciences
Classification: Likely benign for ARSA-related condition. Last evaluated: 2019-03-06. Review status: no assertion criteria provided. Collection method: clinical testing. Allele origin: germline.
Comment: This variant is classified as likely benign based on ACMG/AMP sequence variant interpretation guidelines (Richards et al. 2015 PMID: 25741868, with internal and published modifications).